The following is an entry in ClinVar:

ClinVar aggregate classification (germline): Benign. Review status: criteria provided, multiple submitters, no conflicts (2 of 4 stars). 4 submissions from 4 submitters: Benign (4). Last evaluated 2025-12-26.

Conditions:
Vesicoureteral reflux 2 (VUR2). Identifiers: Orphanet 289365, MedGen C1970483, MONDO:0012573, OMIM 610878.

Allele frequency attached by ClinVar (database versions not stated): 1000 Genomes Project 0.00200; 1000 Genomes Project 30x 0.00203; gnomAD 0.00311 and 0.00318; ExAC 0.00326; ESP Exome Variant Server 0.00366; TOPMed 0.00372; gnomAD exomes 0.00385 and 0.00451.
gnomAD v4.1: 7,057 of 1,613,730 alleles (0.44%); highest among the groups gnomAD compares: Admixed American, 0.57%; 24 homozygotes.

Submissions (4):

Labcorp Genetics (formerly Invitae), Labcorp
Classification: Benign. Last evaluated: 2025-12-26. Review status: criteria provided, single submitter. Criteria: Invitae Variant Classification Sherloc (09022015). Collection method: clinical testing. Allele origin: germline.

CeGaT Center for Human Genetics Tuebingen
Classification: Benign. Last evaluated: 2022-06-01. Review status: criteria provided, single submitter. Criteria: CeGaT Center For Human Genetics Tuebingen Variant Classification Criteria Version 2. Collection method: clinical testing. Allele origin: germline. Affected: yes. Observed: 2 variant alleles.
Comment: ROBO2: BS1, BS2

Illumina Laboratory Services, Illumina
Classification: Benign for Vesicoureteral reflux 2. Last evaluated: 2018-01-13. Review status: criteria provided, single submitter. Criteria: ICSL Variant Classification Criteria 13 December 2019. Collection method: clinical testing. Allele origin: germline.
Comment: This variant was observed in the ICSL laboratory as part of a predisposition screen in an ostensibly healthy population. It had not been previously curated by ICSL or reported in the Human Gene Mutation Database (HGMD: prior to June 1st, 2018), and was therefore a candidate for classification through an automated scoring system. Utilizing variant allele frequency, disease prevalence and penetrance estimates, and inheritance mode, an automated score was calculated to assess if this variant is too frequent to cause the disease. Based on the score and internal cut-off values, a variant classified as benign is not then subjected to further curation. The score for this variant resulted in a classification of benign for this disease.

Breakthrough Genomics
Classification: Benign. Review status: criteria provided, single submitter. Criteria: ACMG Guidelines, 2015. Collection method: not provided. Allele origin: germline. Inheritance: Autosomal dominant inheritance. Affected: yes.

NM_001395656.1(ROBO2):c.1805T>C (p.Ile602Thr)

Gene: ROBO2 (roundabout guidance receptor 2; plus strand). Cytogenetic location: 3p12.3.
Variant type: single nucleotide variant.
Coding change: c.1805T>C on transcript NM_001395656.1 (MANE Select); coding-DNA position 1805, T replaced by C.
Protein change: p.Ile602Thr; replaces isoleucine 602 with threonine.
Molecular consequence: missense variant.
Genome position (GRCh38, 1-based): chr3:77,565,064, T>C. VCF-style: chr3-77565064-T-C. GRCh37 (hg19) VCF-style: chr3-77614215-T-C.
Other names: c.1841T>C, p.Ile614Thr (NM_001128929.3); c.1805T>C, p.Ile602Thr (NM_001290039.2, NM_001290040.2, NM_001378202.1); c.14T>C, p.Ile5Thr (NM_001290065.2); c.1853T>C, p.Ile618Thr (NM_001378190.1, NM_001378191.1, NM_001378195.1 and 4 more transcripts); c.1874T>C, p.Ile625Thr (NM_001378192.1, NM_001378194.1, NM_001378198.1 and 2 more transcripts); c.1793T>C, p.Ile598Thr (NM_001378193.1, NM_001378197.1, NM_002942.5); c.1862T>C, p.Ile621Thr (NM_001394212.1, NM_001394214.1, NM_001395657.1); short protein forms I598T, I614T, I5T, I602T, I618T, I621T, I625T.
Identifiers: ClinVar variation 346689 (VCV000346689.46), dbSNP rs185792666, ClinGen allele CA2497156.